The following is an entry in ClinVar:

ClinVar aggregate classification (germline): Pathogenic (1 of 4 stars; one submission).

Conditions:
Combined immunodeficiency due to LRBA deficiency. Also called: Common variable immunodeficiency 8, with autoimmunity. Identifiers: Orphanet 445018, MedGen C3553512, MONDO:0013863, OMIM 614700.

Submission:

Labcorp Genetics (formerly Invitae), Labcorp
Classification: Pathogenic for Combined immunodeficiency due to LRBA deficiency. Last evaluated: 2023-08-08. Review status: criteria provided, single submitter. Criteria: Invitae Variant Classification Sherloc (09022015). Collection method: clinical testing. Allele origin: germline.
Comment: For these reasons, this variant has been classified as Pathogenic. This variant has not been reported in the literature in individuals affected with LRBA-related conditions. This variant is not present in population databases (gnomAD no frequency). This sequence change creates a premature translational stop signal (p.Pro1745Thrfs*27) in the LRBA gene. It is expected to result in an absent or disrupted protein product. Loss-of-function variants in LRBA are known to be pathogenic (PMID: 26206937, 26768763).

Literature cited by the submitters: PubMed 26206937; PubMed 26768763.

NM_001364905.1(LRBA):c.5231dup (p.Pro1745fs)

Gene: LRBA (LPS responsive beige-like anchor protein; minus strand). Cytogenetic location: 4q31.3.
Variant type: Duplication.
Coding change: c.5231dup on transcript NM_001364905.1 (MANE Select); coding-DNA position 5231, one base duplicated (T; older notation c.5231dupT).
Protein change: p.Pro1745fs; shifts the reading frame from proline 1745.
Molecular consequence: frameshift variant.
Genome position (GRCh38, 1-based): chr4:150,817,198, A duplicated on the plus strand (T on the coding strand, the reverse complement: LRBA is on the minus strand). VCF-style (leftmost placement, unchanged base first): chr4-150817197-T-TA. GRCh37 (hg19) VCF-style: chr4-151738349-T-TA.
Other names: c.5231dup, p.Pro1745Thrfs (NM_001199282.3, NM_006726.5); c.5231dup, p.Pro1745fs (NM_001367550.1); short protein forms P1745fs.
Identifiers: ClinVar variation 2748531 (VCV002748531.3), dbSNP rs2547502929, ClinGen allele CA2697546955.